The following is an entry in ClinVar:

NM_006440.5(TXNRD2):c.1183-5T>C

Gene: TXNRD2 (thioredoxin reductase 2; minus strand). Cytogenetic location: 22q11.21.
Variant type: single nucleotide variant.
Coding change: c.1183-5T>C on transcript NM_006440.5 (MANE Select); 5 bases into the intron before coding-DNA position 1183, T replaced by C.
Molecular consequence: intron variant.
Genome position (GRCh38, 1-based): chr22:19,880,276, A>G on the plus strand (T>C on the coding strand, the complement: TXNRD2 is on the minus strand). VCF-style: chr22-19880276-A-G. GRCh37 (hg19) VCF-style: chr22-19867799-A-G.
Other names: c.1180-5T>C (NM_001352300.2); c.895-5T>C (NM_001352302.2); c.1093-5T>C (NM_001352301.2).
Identifiers: ClinVar variation 1742676 (VCV001742676.2), dbSNP rs2517275099, ClinGen allele CA2580099133.
Genomic context (GRCh38, chr22:19,880,276, plus strand): 5'-TCCTCGGACAGCCCCACACAGCCATACTCCAGCGGGGTGAAGACGGTCGTGGGAACCTGA[A>G]AGCAGGTCTGGAGTCAGGGAGGGCCCTTGGGCCCCGAAAACCGAAGTTCCCCACTGCATG-3'

ClinVar aggregate classification (germline): Uncertain significance (1 of 4 stars; one submission).

Conditions:
Cardiovascular phenotype. Identifiers: MedGen CN230736.

Submission:

Ambry Genetics
Classification: Uncertain significance for Cardiovascular phenotype. Last evaluated: 2019-03-26. Review status: criteria provided, single submitter. Criteria: Ambry Variant Classification Scheme 2023. Collection method: clinical testing. Allele origin: germline.
Comment: The c.1183-5T>C intronic variant results from a T to C substitution 5 nucleotides upstream from coding exon 14 in the TXNRD2 gene. This nucleotide position is well conserved in available vertebrate species. Using two different splice site prediction tools, this alteration is predicted by ESEfinder to weaken the efficiency of the native splice acceptor site, but is not predicted to have a deleterious effect on this splice acceptor/donor site by BDGP; however, direct evidence is unavailable.Since supporting evidence is limited at this time, the clinical significance of this alteration remains unclear.